The following is an entry in ClinVar:

NM_000257.4(MYH7):c.2192C>T (p.Pro731Leu)

Gene: MYH7 (myosin heavy chain 7; minus strand). Cytogenetic location: 14q11.2.
Variant type: single nucleotide variant.
Coding change: c.2192C>T on transcript NM_000257.4 (MANE Select); coding-DNA position 2192, C replaced by T.
Protein change: p.Pro731Leu; replaces proline 731 with leucine.
Molecular consequence: missense variant.
Genome position (GRCh38, 1-based): chr14:23,425,789, G>A on the plus strand (C>T on the coding strand, the complement: MYH7 is on the minus strand). VCF-style: chr14-23425789-G-A. GRCh37 (hg19) VCF-style: chr14-23894998-G-A.
Other names: short protein forms P731L.
Identifiers: ClinVar variation 1001239 (VCV001001239.8), dbSNP rs1247313340, ClinGen allele CA389048939.

ClinVar aggregate classification (germline): Likely pathogenic (1 of 4 stars; one submission).

Conditions:
Hypertrophic cardiomyopathy. Also called: HYPERTROPHIC MYOCARDIOPATHY. Identifiers: Orphanet 217569, MedGen C0007194, MeSH D002312, MONDO:0005045, HP:0001639.

Submission:

Labcorp Genetics (formerly Invitae), Labcorp
Classification: Likely pathogenic for Hypertrophic cardiomyopathy. Last evaluated: 2023-10-03. Review status: criteria provided, single submitter. Criteria: Invitae Variant Classification Sherloc (09022015). Collection method: clinical testing. Allele origin: germline.
Comment: This sequence change replaces proline, which is neutral and non-polar, with leucine, which is neutral and non-polar, at codon 731 of the MYH7 protein (p.Pro731Leu). This variant is not present in population databases (gnomAD no frequency). This missense change has been observed in individual(s) with hypertrophic cardiomyopathy (PMID: 7739336, 23233322, 31737537). ClinVar contains an entry for this variant (Variation ID: 1001239). Advanced modeling of protein sequence and biophysical properties (such as structural, functional, and spatial information, amino acid conservation, physicochemical variation, residue mobility, and thermodynamic stability) performed at Invitae indicates that this missense variant is expected to disrupt MYH7 protein function. This variant disrupts the p.Pro731 amino acid residue in MYH7. Other variant(s) that disrupt this residue have been determined to be pathogenic (PMID: 23283745, 24093860, 25078086, 25327599). This suggests that this residue is clinically significant, and that variants that disrupt this residue are likely to be disease-causing. In summary, the currently available evidence indicates that the variant is pathogenic, but additional data are needed to prove that conclusively. Therefore, this variant has been classified as Likely Pathogenic.

Literature cited by the submitters: PubMed 7739336; PubMed 23233322; PubMed 31737537; PubMed 23283745; PubMed 24093860; PubMed 25078086; PubMed 25327599.